The following is an entry in ClinVar:

NM_001009944.3(PKD1):c.7211G>A (p.Arg2404Gln)

Genes: MIR6511B1 (microRNA 6511b-1; minus strand), PKD1 (polycystin 1, transient receptor potential channel interacting; minus strand). Cytogenetic location: 16p13.3.
Variant type: single nucleotide variant.
Coding change: c.7211G>A on transcript NM_001009944.3 (MANE Select); coding-DNA position 7211, G replaced by A.
Protein change: p.Arg2404Gln; replaces arginine 2404 with glutamine.
Molecular consequence: missense variant. On other transcripts: non-coding transcript variant (1).
Genome position (GRCh38, 1-based): chr16:2,106,676, C>T on the plus strand (G>A on the coding strand, the complement: PKD1 is on the minus strand). VCF-style: chr16-2106676-C-T. GRCh37 (hg19) VCF-style: chr16-2156677-C-T.
Other names: c.7211G>A, p.Arg2404Gln (NM_000296.4); c.7211G>A (NM_000296.3); short protein forms R2404Q.
Identifiers: ClinVar variation 3366531 (VCV003366531.3).

ClinVar aggregate classification (germline): Conflicting classifications of pathogenicity. Review status: criteria provided, conflicting classifications (1 of 4 stars). 3 submissions from 3 submitters: Uncertain significance (2); Likely benign (1). Last evaluated 2026-04-27.

Conditions:
PKD1-related disorder. Also called: PKD1-related condition.
Inborn genetic diseases. Identifiers: MedGen C0950123, MeSH D030342.

gnomAD v4.1: 71 of 1,593,006 alleles (0.0045%); highest among the groups gnomAD compares: South Asian, 0.043%; no homozygotes.

Submissions (3):

PreventionGenetics, part of Exact Sciences
Classification: Likely benign for PKD1-related condition. Last evaluated: 2026-04-27. Review status: criteria provided, single submitter. Criteria: ACMG Guidelines, 2015. Collection method: clinical testing. Allele origin: germline.
Comment: This variant is classified as likely benign based on ACMG/AMP sequence variant interpretation guidelines (Richards et al. 2015 PMID: 25741868, with internal and published modifications).

Ambry Genetics
Classification: Uncertain significance for Inborn genetic diseases. Last evaluated: 2024-08-29. Review status: criteria provided, single submitter. Criteria: Ambry Variant Classification Scheme 2023. Collection method: clinical testing. Allele origin: germline.

Women's Health and Genetics/Laboratory Corporation of America, LabCorp
Classification: Uncertain significance. Last evaluated: 2024-08-02. Review status: criteria provided, single submitter. Criteria: LabCorp Variant Classification Summary - May 2015. Collection method: clinical testing. Allele origin: germline.
Comment: Variant summary: PKD1 c.7211G>A (p.Arg2404Gln) results in a conservative amino acid change located in the PKD/REJ-like domain (IPR002859) of the encoded protein sequence. Three of five in-silico tools predict a benign effect of the variant on protein function. Consensus agreement among computation tools predict no significant impact on normal splicing. However, these predictions have yet to be confirmed by functional studies. The variant allele was found at a frequency of 0.000045 in 1593006 control chromosomes, predominantly at a frequency of 0.00043 within the South Asian subpopulation in the gnomAD database (v4.0 dataset). The observed variant frequency within South Asian control individuals is approaching, but not significanctly higher (0.00043 vs 0.0005) than the estimated maximal expected allele frequency for a pathogenic variant in ATP6V0A4 causing Renal Tubular Acidosis, Distal, Autosomal Recessive phenotype, suggesting potential for the variant to be a benign polymorphism, but currently allowing no conclusion about variant significance. To our knowledge, no occurrence of c.7211G>A in individuals affected with Polycystic Kidney Disease 1 and no experimental evidence demonstrating its impact on protein function have been reported. No submitters have cited clinical-significance assessments for this variant to ClinVar. Based on the evidence outlined above, the variant was classified as VUS-possibly benign.